The following is an entry in ClinVar:

NM_032237.5(POMK):c.938G>A (p.Cys313Tyr)

Gene: POMK (protein O-mannose kinase; plus strand). Cytogenetic location: 8p11.21.
Variant type: single nucleotide variant.
Coding change: c.938G>A on transcript NM_032237.5 (MANE Select); coding-DNA position 938, G replaced by A.
Protein change: p.Cys313Tyr; replaces cysteine 313 with tyrosine.
Molecular consequence: missense variant.
Genome position (GRCh38, 1-based): chr8:43,122,762, G>A. VCF-style: chr8-43122762-G-A. GRCh37 (hg19) VCF-style: chr8-42977905-G-A.
Other names: c.938G>A (NM_032237.4, NM_032237.3); c.938G>A, p.Cys313Tyr (NM_001277971.2); short protein forms C313Y.
Identifiers: ClinVar variation 1981673 (VCV001981673.8), dbSNP rs1379242958, ClinGen allele CA371123009.
Genomic context (GRCh38, chr8:43,122,762, plus strand): 5'-TGGGGCACATTGAAGGGAGTGATATGGTCCGATTCCATTTGTTTGATATTCACAAAGCAT[G>A]CAAGAGCCAGACTCCCTCAGAAAGACCCACTGCCCAGGACGTTCTGGAGACCTACCAGAA-3'
Protein context (NP_115613.1, residues 303-323): RFHLFDIHKA[Cys313Tyr]KSQTPSERPT

ClinVar aggregate classification (germline): Uncertain significance. Review status: criteria provided, multiple submitters, no conflicts (2 of 4 stars). 3 submissions from 3 submitters: Uncertain significance (3). Last evaluated 2025-08-25.

Conditions:
Inborn genetic diseases. Identifiers: MedGen C0950123, MeSH D030342.
Muscular dystrophy-dystroglycanopathy (congenital with brain and eye anomalies), type a, 12 (MDDGA12). Also called: WALKER-WARBURG SYNDROME OR MUSCLE-EYE-BRAIN DISEASE, POMK-RELATED. Identifiers: Orphanet 899, MedGen C3808964, MONDO:0014101, OMIM 615249.
Limb-girdle muscular dystrophy due to POMK deficiency. Also called: MUSCULAR DYSTROPHY-DYSTROGLYCANOPATHY, LIMB-GIRDLE, POMK-RELATED; Muscular dystrophy-dystroglycanopathy (limb-girdle), type c, 12. Identifiers: Orphanet 445110, MedGen C4015184, MONDO:0014489, OMIM 616094.

Allele frequency attached by ClinVar (database versions not stated): gnomAD exomes below 0.00001; gnomAD 0.00002; TOPMed 0.00003.
gnomAD v4.1: 7 of 1,614,070 alleles (0.00043%); highest among the groups gnomAD compares: African/African-American, 0.008%; no homozygotes.

Submissions (3):

Ambry Genetics
Classification: Uncertain significance for Inborn genetic diseases. Last evaluated: 2025-08-25. Review status: criteria provided, single submitter. Criteria: Ambry Variant Classification Scheme 2023. Collection method: clinical testing. Allele origin: germline.

Labcorp Genetics (formerly Invitae), Labcorp
Classification: Uncertain significance for Muscular dystrophy-dystroglycanopathy (congenital with brain and eye anomalies), type a, 12; Limb-girdle muscular dystrophy due to POMK deficiency. Last evaluated: 2022-09-27. Review status: criteria provided, single submitter. Criteria: Invitae Variant Classification Sherloc (09022015). Collection method: clinical testing. Allele origin: germline.
Comment: In summary, the available evidence is currently insufficient to determine the role of this variant in disease. Therefore, it has been classified as a Variant of Uncertain Significance. Algorithms developed to predict the effect of missense changes on protein structure and function (SIFT, PolyPhen-2, Align-GVGD) all suggest that this variant is likely to be disruptive. This variant has not been reported in the literature in individuals affected with POMK-related conditions. This variant is not present in population databases (gnomAD no frequency). This sequence change replaces cysteine, which is neutral and slightly polar, with tyrosine, which is neutral and polar, at codon 313 of the POMK protein (p.Cys313Tyr).

Revvity Omics, Revvity
Classification: Uncertain significance. Last evaluated: 2020-02-19. Review status: criteria provided, single submitter. Criteria: ACMG Guidelines, 2015. Collection method: clinical testing. Allele origin: germline.